The following is an entry in ClinVar:

NM_001040108.2(MLH3):c.788A>G (p.Lys263Arg)

Gene: MLH3 (mutL homolog 3; minus strand). Cytogenetic location: 14q24.3.
Variant type: single nucleotide variant.
Coding change: c.788A>G on transcript NM_001040108.2 (MANE Select); coding-DNA position 788, A replaced by G.
Protein change: p.Lys263Arg; replaces lysine 263 with arginine.
Molecular consequence: missense variant.
Genome position (GRCh38, 1-based): chr14:75,048,868, T>C on the plus strand (A>G on the coding strand, the complement: MLH3 is on the minus strand). VCF-style: chr14-75048868-T-C. GRCh37 (hg19) VCF-style: chr14-75515571-T-C.
Other names: c.788A>G (NM_001040108.1); c.788A>G, p.Lys263Arg (NM_014381.3); short protein forms K263R.
Identifiers: ClinVar variation 1697702 (VCV001697702.10), dbSNP rs2139599317, ClinGen allele CA390449066.

ClinVar aggregate classification (germline): Uncertain significance. Review status: criteria provided, multiple submitters, no conflicts (2 of 4 stars). 2 submissions from 2 submitters: Uncertain significance (2). Last evaluated 2025-10-22.

Allele frequency attached by ClinVar (database versions not stated): gnomAD exomes below 0.00001.
gnomAD v4.1: 2 of 1,614,072 alleles (0.00012%); highest among the groups gnomAD compares: Non-Finnish European, 0.000085%; no homozygotes.

Submissions (2):

Ambry Genetics
Classification: Uncertain significance. Last evaluated: 2025-10-22. Review status: criteria provided, single submitter. Criteria: Ambry Variant Classification Scheme 2023. Collection method: clinical testing. Allele origin: germline.
Comment: The p.K263R variant (also known as c.788A>G), located in coding exon 1 of the MLH3 gene, results from an A to G substitution at nucleotide position 788. The lysine at codon 263 is replaced by arginine, an amino acid with highly similar properties. This amino acid position is conserved. In addition, this alteration is predicted to be tolerated by in silico analysis. Since supporting evidence is limited at this time, the clinical significance of this alteration remains unclear.

Center for Genomic Medicine, Rigshospitalet, Copenhagen University Hospital
Classification: Uncertain significance. Last evaluated: 2025-03-04. Review status: criteria provided, single submitter. Criteria: ACMG Guidelines, 2015. Collection method: clinical testing. Allele origin: germline.